The following is an entry in ClinVar:

ClinVar aggregate classification (germline): Uncertain significance (1 of 4 stars; one submission).

Submission:

Labcorp Genetics (formerly Invitae), Labcorp
Classification: Uncertain significance. Last evaluated: 2025-01-10. Review status: criteria provided, single submitter. Criteria: Invitae Variant Classification Sherloc (09022015). Collection method: clinical testing. Allele origin: germline.
Comment: This sequence change replaces alanine, which is neutral and non-polar, with serine, which is neutral and polar, at codon 17 of the TRPV3 protein (p.Ala17Ser). The frequency data for this variant in the population databases is considered unreliable, as metrics indicate poor data quality at this position in the gnomAD database. This variant has not been reported in the literature in individuals affected with TRPV3-related conditions. Invitae Evidence Modeling of protein sequence and biophysical properties (such as structural, functional, and spatial information, amino acid conservation, physicochemical variation, residue mobility, and thermodynamic stability) indicates that this missense variant is not expected to disrupt TRPV3 protein function with a negative predictive value of 95%. In summary, the available evidence is currently insufficient to determine the role of this variant in disease. Therefore, it has been classified as a Variant of Uncertain Significance.

NM_145068.4(TRPV3):c.49G>T (p.Ala17Ser)

Gene: TRPV3 (transient receptor potential cation channel subfamily V member 3; minus strand). Cytogenetic location: 17p13.2.
Variant type: single nucleotide variant.
Coding change: c.49G>T on transcript NM_145068.4 (MANE Select); coding-DNA position 49, G replaced by T.
Protein change: p.Ala17Ser; replaces alanine 17 with serine.
Molecular consequence: missense variant.
Genome position (GRCh38, 1-based): chr17:3,554,802, C>A on the plus strand (G>T on the coding strand, the complement: TRPV3 is on the minus strand). VCF-style: chr17-3554802-C-A. GRCh37 (hg19) VCF-style: chr17-3458096-C-A.
Other names: c.49G>T, p.Ala17Ser (NM_001258205.2); short protein forms A17S.
Identifiers: ClinVar variation 3720812 (VCV003720812.2).